The following is an entry in ClinVar:

ClinVar aggregate classification (germline): Uncertain significance (1 of 4 stars; one submission).

Conditions:
TTN-related disorder. Also called: TTN-related disorders; TTN-related condition; TTN-related disease.

Submission:

PreventionGenetics, part of Exact Sciences
Classification: Uncertain significance for TTN-related condition. Last evaluated: 2025-01-30. Review status: criteria provided, single submitter. Criteria: ACMG Guidelines, 2015. Collection method: clinical testing. Allele origin: germline.
Comment: The TTN c.10631G>A variant is predicted to result in the amino acid substitution p.Ser3544Asn. To our knowledge, this variant has not been reported in the literature or in a large population database (gnomAD), indicating this variant is rare. At this time, the clinical significance of this variant is uncertain due to the absence of conclusive functional and genetic evidence.

NM_001267550.2(TTN):c.10631G>A (p.Ser3544Asn)

Gene: TTN (titin; minus strand). Cytogenetic location: 2q31.2.
Variant type: single nucleotide variant.
Coding change: c.10631G>A on transcript NM_001267550.2 (MANE Select); coding-DNA position 10631, G replaced by A.
Protein change: p.Ser3544Asn; replaces serine 3544 with asparagine.
Molecular consequence: missense variant. On other transcripts: intron variant (5).
Genome position (GRCh38, 1-based): chr2:178,757,589, C>T on the plus strand (G>A on the coding strand, the complement: TTN is on the minus strand). VCF-style: chr2-178757589-C-T. GRCh37 (hg19) VCF-style: chr2-179622316-C-T.
Other names: c.10493G>A, p.Ser3498Asn (NM_133432.3); c.10165+1395G>A (NM_003319.4); c.10166-792G>A (NM_133437.4); c.10303+1395G>A (NM_133378.4, NM_001256850.1, NM_133379.5); short protein forms S3498N, S3544N.
Identifiers: ClinVar variation 4986000 (VCV004986000.1).